The following is an entry in ClinVar:

NM_001235.5(SERPINH1):c.1249G>A (p.Glu417Lys)

Gene: SERPINH1 (serpin family H member 1; plus strand). Cytogenetic location: 11q13.5.
Variant type: single nucleotide variant.
Coding change: c.1249G>A on transcript NM_001235.5 (MANE Select); coding-DNA position 1249, G replaced by A.
Protein change: p.Glu417Lys; replaces glutamic acid 417 with lysine.
Molecular consequence: missense variant.
Genome position (GRCh38, 1-based): chr11:75,572,075, G>A. VCF-style: chr11-75572075-G-A. GRCh37 (hg19) VCF-style: chr11-75283120-G-A.
Other names: c.1249G>A, p.Glu417Lys (NM_001207014.3); short protein forms E417K.
Identifiers: ClinVar variation 2086974 (VCV002086974.6), dbSNP rs1292850878, ClinGen allele CA381885743.

ClinVar aggregate classification (germline): Uncertain significance. Review status: criteria provided, multiple submitters, no conflicts (2 of 4 stars). 2 submissions from 2 submitters: Uncertain significance (2). Last evaluated 2023-05-04.

Conditions:
Inborn genetic diseases. Identifiers: MedGen C0950123, MeSH D030342.

Allele frequency attached by ClinVar (database versions not stated): gnomAD 0.00001.
gnomAD v4.1: 1 of 1,613,920 alleles (0.000062%); highest among the groups gnomAD compares: Non-Finnish European, 0.000085%; no homozygotes.

Submissions (2):

Ambry Genetics
Classification: Uncertain significance for Inborn genetic diseases. Last evaluated: 2023-05-04. Review status: criteria provided, single submitter. Criteria: Ambry Variant Classification Scheme 2023. Collection method: clinical testing. Allele origin: germline.

Labcorp Genetics (formerly Invitae), Labcorp
Classification: Uncertain significance. Last evaluated: 2022-01-17. Review status: criteria provided, single submitter. Criteria: Invitae Variant Classification Sherloc (09022015). Collection method: clinical testing. Allele origin: germline.
Comment: In summary, the available evidence is currently insufficient to determine the role of this variant in disease. Therefore, it has been classified as a Variant of Uncertain Significance. Algorithms developed to predict the effect of missense changes on protein structure and function (SIFT, PolyPhen-2, Align-GVGD) all suggest that this variant is likely to be disruptive. This variant has not been reported in the literature in individuals affected with SERPINH1-related conditions. This variant is present in population databases (no rsID available, gnomAD 0.007%). This sequence change replaces glutamic acid, which is acidic and polar, with lysine, which is basic and polar, at codon 417 of the SERPINH1 protein (p.Glu417Lys).